The following is an entry in ClinVar:

NM_001354930.2(RIPK1):c.307G>A (p.Val103Met)

Gene: RIPK1 (receptor interacting serine/threonine kinase 1; plus strand). Cytogenetic location: 6p25.2.
Variant type: single nucleotide variant.
Coding change: c.307G>A on transcript NM_001354930.2 (MANE Select); coding-DNA position 307, G replaced by A.
Protein change: p.Val103Met; replaces valine 103 with methionine.
Molecular consequence: missense variant. On other transcripts: 5 prime UTR variant (4).
Genome position (GRCh38, 1-based): chr6:3,077,921, G>A. VCF-style: chr6-3077921-G-A. GRCh37 (hg19) VCF-style: chr6-3078155-G-A.
Other names: c.-297G>A (NM_001317061.3, NM_001354932.2, NM_001354933.2 and 1 more transcripts); c.307G>A, p.Val103Met (NM_001354931.2, NM_003804.6); short protein forms V103M.
Identifiers: ClinVar variation 3946055 (VCV003946055.2).
Genomic context (GRCh38, chr6:3,077,921, plus strand): 5'-ATAGAGGAAGGGAAGTACTCCCTGGTGATGGAGTACATGGAGAAGGGCAACCTGATGCAC[G>A]TGCTGAAAGCCGAGGTAGAGAGGGCCCCTCCGCACGGGGATCCCCAGCGCTTGGGCCCTG-3'
Protein context (NP_001341859.1, residues 93-113): EYMEKGNLMH[Val103Met]LKAEMSTPLS

ClinVar aggregate classification (germline): Uncertain significance. Review status: criteria provided, multiple submitters, no conflicts (2 of 4 stars). 2 submissions from 2 submitters: Uncertain significance (2). Last evaluated 2025-10-18.

Conditions:
Inborn genetic diseases. Identifiers: MedGen C0950123, MeSH D030342.

gnomAD v4.1: 52 of 1,614,048 alleles (0.0032%); highest among the groups gnomAD compares: African/African-American, 0.0093%; no homozygotes.

Submissions (2):

Labcorp Genetics (formerly Invitae), Labcorp
Classification: Uncertain significance. Last evaluated: 2025-10-18. Review status: criteria provided, single submitter. Criteria: Invitae Variant Classification Sherloc (09022015). Collection method: clinical testing. Allele origin: germline.
Comment: This sequence change replaces valine, which is neutral and non-polar, with methionine, which is neutral and non-polar, at codon 103 of the RIPK1 protein (p.Val103Met). The frequency data for this variant in the population databases is considered unreliable, as metrics indicate poor data quality at this position in the gnomAD database. This variant has not been reported in the literature in individuals affected with RIPK1-related conditions. ClinVar contains an entry for this variant (Variation ID: 3946055). An algorithm developed to predict the effect of missense changes on protein structure and function (PolyPhen-2) suggests that this variant is likely to be disruptive. In summary, the available evidence is currently insufficient to determine the role of this variant in disease. Therefore, it has been classified as a Variant of Uncertain Significance.

Ambry Genetics
Classification: Uncertain significance for Inborn genetic diseases. Last evaluated: 2025-05-15. Review status: criteria provided, single submitter. Criteria: Ambry Variant Classification Scheme 2023. Collection method: clinical testing. Allele origin: germline.